The following is an entry in ClinVar:

ClinVar aggregate classification (germline): Uncertain significance (1 of 4 stars; one submission).

gnomAD v4.1: 12 of 1,613,902 alleles (0.00074%); highest among the groups gnomAD compares: African/African-American, 0.0013%; no homozygotes.

Submission:

Dasa
Classification: Uncertain significance. Last evaluated: 2024-08-16. Review status: criteria provided, single submitter. Criteria: DASA Assertion Criteria. Collection method: clinical testing. Allele origin: germline.
Comment: NM_001277115.2(DNAH11):c.13120G>C (p.Val4374Leu) is a missense variant that results in the substitution of valine with leucine. This variant is rare in population databases. Computational prediction algorithms are consistent with a benign effect. The currently available literature and clinical evidence are not sufficient to establish a definitive association between this variant and the reported condition. Therefore, this variant is classified as a variant of uncertain significance.

NM_001277115.2(DNAH11):c.13120G>C (p.Val4374Leu)

Gene: DNAH11 (dynein axonemal heavy chain 11; plus strand). Cytogenetic location: 7p15.3.
Variant type: single nucleotide variant.
Coding change: c.13120G>C on transcript NM_001277115.2 (MANE Select); coding-DNA position 13120, G replaced by C.
Protein change: p.Val4374Leu; replaces valine 4374 with leucine.
Molecular consequence: missense variant.
Genome position (GRCh38, 1-based): chr7:21,899,406, G>C. VCF-style: chr7-21899406-G-C. GRCh37 (hg19) VCF-style: chr7-21939024-G-C.
Other names: short protein forms V4374L.
Identifiers: ClinVar variation 4884988 (VCV004884988.2).